The following is an entry in ClinVar:

NM_015570.4(AUTS2):c.3377ACC[11] (p.His1133_Pro1134insHisHisHis)

Gene: AUTS2 (activator of transcription and developmental regulator AUTS2; plus strand). Cytogenetic location: 7q11.22.
Variant type: Microsatellite.
Coding change: c.3377ACC[11] on transcript NM_015570.4 (MANE Select); 11 copies in a row of the 3-base unit ACC starting at c.3377; the reference has eight copies in a row; three copies, 9 bases duplicated.
Protein change: p.His1133_Pro1134insHisHisHis.
Genome position (GRCh38, 1-based): chr7:70,790,608-70,790,616, ACCACCACC duplicated; duplicating any 9 consecutive bases within chr7:70,790,591-70,790,616 gives the same sequence; the position shown is the placement nearest the transcript's 3' end. VCF-style (leftmost placement, unchanged base first): chr7-70790590-G-GCCACCACCA. GRCh37 (hg19) VCF-style: chr7-70255576-G-GCCACCACCA.
Other names: c.3305ACC[11], p.His1109_Pro1110insHisHisHis (NM_001127231.3).
Identifiers: ClinVar variation 3654549 (VCV003654549.2).

ClinVar aggregate classification (germline): Uncertain significance (1 of 4 stars; one submission).

Submission:

Labcorp Genetics (formerly Invitae), Labcorp
Classification: Uncertain significance. Last evaluated: 2024-01-22. Review status: criteria provided, single submitter. Criteria: Invitae Variant Classification Sherloc (09022015). Collection method: clinical testing. Allele origin: germline.
Comment: This variant, c.3392_3400dup, results in the insertion of 3 amino acid(s) of the AUTS2 protein (p.His1131_His1133dup), but otherwise preserves the integrity of the reading frame. The frequency data for this variant in the population databases is considered unreliable, as metrics indicate poor data quality at this position in the gnomAD database. This variant has not been reported in the literature in individuals affected with AUTS2-related conditions. In summary, the available evidence is currently insufficient to determine the role of this variant in disease. Therefore, it has been classified as a Variant of Uncertain Significance.